The following is an entry in ClinVar:

ClinVar aggregate classification (germline): Likely benign (1 of 4 stars; one submission).

gnomAD v4.1: 15 of 1,613,944 alleles (0.00093%); highest among the groups gnomAD compares: Non-Finnish European, 0.0011%; no homozygotes.

Submission:

CeGaT Center for Human Genetics Tuebingen
Classification: Likely benign. Last evaluated: 2023-02-01. Review status: criteria provided, single submitter. Criteria: CeGaT Center For Human Genetics Tuebingen Variant Classification Criteria Version 2. Collection method: clinical testing. Allele origin: germline. Affected: yes. Observed: 1 variant allele.
Comment: SMARCC2: BP4, BP7

NM_001330288.2(SMARCC2):c.3513G>A (p.Ala1171=)

Gene: SMARCC2 (SWI/SNF related BAF chromatin remodeling complex subunit C2; minus strand). Cytogenetic location: 12q13.2.
Variant type: single nucleotide variant.
Coding change: c.3513G>A on transcript NM_001330288.2 (MANE Select); coding-DNA position 3513, G replaced by A.
Protein change: p.Ala1171=; no amino-acid change (alanine 1171 retained).
Molecular consequence: synonymous variant. On other transcripts: intron variant (2).
Genome position (GRCh38, 1-based): chr12:56,164,451, C>T on the plus strand (G>A on the coding strand, the complement: SMARCC2 is on the minus strand). VCF-style: chr12-56164451-C-T. GRCh37 (hg19) VCF-style: chr12-56558235-C-T.
Other names: c.3420G>A, p.Ala1140= (NM_003075.5); c.3316+197G>A (NM_139067.4); c.3317-83G>A (NM_001130420.3).
Identifiers: ClinVar variation 2643072 (VCV002643072.24), dbSNP rs1227453567, ClinGen allele CA480371222.